The following is an entry in ClinVar:

ClinVar aggregate classification (germline): Uncertain significance. Review status: criteria provided, single submitter (1 of 4 stars). 2 submissions from 2 submitters: Uncertain significance (1). 1 of the submissions does not count toward it. Last evaluated 2026-09-04.

Conditions:
Cardiovascular phenotype. Identifiers: MedGen CN230736.
MYH6-related disorder. Also called: MYH6-related condition; MYH6-Related Disorders.

Submissions (2):

Ambry Genetics
Classification: Uncertain significance for Cardiovascular phenotype. Last evaluated: 2026-09-04. Review status: criteria provided, single submitter. Criteria: Ambry Variant Classification Scheme 2023. Collection method: clinical testing. Allele origin: germline.
Comment: The p.S335G variant (also known as c.1003A>G) is located in coding exon 10 of the MYH6 gene. The serine at codon 335 is replaced by glycine, an amino acid with similar properties. This change occurs in the first base pair of coding exon 10. This amino acid position is conserved. In addition, this alteration is predicted to be tolerated by in silico analysis. Based on the available evidence, the clinical significance of this variant remains unclear.

PreventionGenetics, part of Exact Sciences
Classification: Uncertain significance for MYH6-related condition. Last evaluated: 2024-02-21. Review status: no assertion criteria provided. Collection method: clinical testing. Allele origin: germline. Not counted in ClinVar's aggregate classification.
Comment: The MYH6 c.1003A>G variant is predicted to result in the amino acid substitution p.Ser335Gly. To our knowledge, this variant has not been reported in the literature or in a large population database, indicating this variant is rare. At this time, the clinical significance of this variant is uncertain due to the absence of conclusive functional and genetic evidence.

NM_002471.4(MYH6):c.1003A>G (p.Ser335Gly)

Gene: MYH6 (myosin heavy chain 6; minus strand). Cytogenetic location: 14q11.2.
Variant type: single nucleotide variant.
Coding change: c.1003A>G on transcript NM_002471.4 (MANE Select); coding-DNA position 1003, A replaced by G.
Protein change: p.Ser335Gly; replaces serine 335 with glycine.
Molecular consequence: missense variant.
Genome position (GRCh38, 1-based): chr14:23,402,602, T>C on the plus strand (A>G on the coding strand, the complement: MYH6 is on the minus strand). VCF-style: chr14-23402602-T-C. GRCh37 (hg19) VCF-style: chr14-23871811-T-C.
Other names: short protein forms S335G.
Identifiers: ClinVar variation 3029258 (VCV003029258.3), dbSNP rs1427108382, ClinGen allele CA389026673.
Genomic context (GRCh38, chr14:23,402,602, plus strand): 5'-CCGTCAGCTTGTAGACGCCAGCTTTCTCCTCTGAAGTGAAGCCCAGCACGTCAAAGGCAC[T>C]CTGGGACAGAGCGAGAGACAAAGAGGGGGGTTGGAGCGGTGGCCCCAGGAGCTCCTGGGG-3'
Protein context (NP_002462.2, residues 325-345): DDSEELMATD[Ser335Gly]AFDVLGFTSE